The following is an entry in ClinVar:

ClinVar aggregate classification (germline): Likely benign. Review status: criteria provided, multiple submitters, no conflicts (2 of 4 stars). 3 submissions from 3 submitters: Likely benign (3). Last evaluated 2025-10-22.

Conditions:
Angelman syndrome (AS). Also called: HAPPY PUPPET SYNDROME. Identifiers: Orphanet 72, MedGen C0162635, MONDO:0007113, OMIM 105830. Disease mechanism: loss of function. Inheritance: imprinting disorder, AS is caused by disruption of maternally imprinted UBE3A located within the 15q11.2-q13 Angelman syndrome/Prader-Willi syndrome (AS/PWS) region..

Allele frequency attached by ClinVar (database versions not stated): gnomAD exomes 0.00001; gnomAD 0.00002 and 0.00003; TOPMed 0.00003.
gnomAD v4.1: 15 of 1,614,066 alleles (0.00093%); highest among the groups gnomAD compares: Middle Eastern, 0.016%; no homozygotes.

Submissions (3):

Labcorp Genetics (formerly Invitae), Labcorp
Classification: Likely benign for Angelman syndrome. Last evaluated: 2025-10-22. Review status: criteria provided, single submitter. Criteria: Invitae Variant Classification Sherloc (09022015). Collection method: clinical testing. Allele origin: germline.

GeneDx
Classification: Likely benign. Last evaluated: 2016-08-12. Review status: criteria provided, single submitter. Criteria: GeneDx Variant Classification (06012015). Collection method: clinical testing. Allele origin: germline. Affected: yes.
Comment: This variant is considered likely benign or benign based on one or more of the following criteria: it is a conservative change, it occurs at a poorly conserved position in the protein, it is predicted to be benign by multiple in silico algorithms, and/or has population frequency not consistent with disease.

Breakthrough Genomics
Classification: Likely benign. Review status: criteria provided, single submitter. Criteria: ACMG Guidelines, 2015. Collection method: not provided. Allele origin: germline. Inheritance: Autosomal dominant inheritance. Affected: yes.

NM_130839.5(UBE3A):c.1038T>C (p.Tyr346=)

Genes: SNHG14 (small nucleolar RNA host gene 14; plus strand), UBE3A (ubiquitin protein ligase E3A; minus strand). Cytogenetic location: 15q11.2.
Variant type: single nucleotide variant.
Coding change: c.1038T>C on transcript NM_130839.5 (MANE Select); coding-DNA position 1038, T replaced by C.
Protein change: p.Tyr346=; no amino-acid change (tyrosine 346 retained).
Molecular consequence: synonymous variant. On other transcripts: non-coding transcript variant (1), intron variant (2).
Genome position (GRCh38, 1-based): chr15:25,371,136, A>G on the plus strand (T>C on the coding strand, the complement: UBE3A is on the minus strand). VCF-style: chr15-25371136-A-G. GRCh37 (hg19) VCF-style: chr15-25616283-A-G.
Other names: c.1047T>C, p.Tyr349= (NM_000462.5); c.1038T>C, p.Tyr346= (NM_001354505.1, NM_001354538.2, NM_001354545.2); c.978T>C, p.Tyr326= (NM_001354506.2, NM_001354507.2, NM_001354508.2 and 17 more transcripts); c.861T>C, p.Tyr287= (NM_001354546.2); c.301+4329T>C (NM_001354551.2); c.361+4329T>C (NM_001354550.2).
Identifiers: ClinVar variation 379058 (VCV000379058.12), dbSNP rs1057520481, ClinGen allele CA16607043.